The following is an entry in ClinVar:

ClinVar aggregate classification (germline): Uncertain significance (1 of 4 stars; one submission).

Allele frequency attached by ClinVar (database versions not stated): gnomAD exomes 0.00001; ExAC 0.00002; TOPMed 0.00002; ESP Exome Variant Server 0.00008.
gnomAD v4.1: 8 of 1,608,464 alleles (0.0005%); highest among the groups gnomAD compares: Admixed American, 0.0034%; no homozygotes.

Submission:

Labcorp Genetics (formerly Invitae), Labcorp
Classification: Uncertain significance. Last evaluated: 2022-07-21. Review status: criteria provided, single submitter. Criteria: Invitae Variant Classification Sherloc (09022015). Collection method: clinical testing. Allele origin: germline.
Comment: This sequence change replaces threonine, which is neutral and polar, with isoleucine, which is neutral and non-polar, at codon 666 of the SAMD11 protein (p.Thr666Ile). This variant is present in population databases (rs370493594, gnomAD 0.007%). This variant has not been reported in the literature in individuals affected with SAMD11-related conditions. ClinVar contains an entry for this variant (Variation ID: 1391482). Algorithms developed to predict the effect of missense changes on protein structure and function are either unavailable or do not agree on the potential impact of this missense change (SIFT: "Deleterious"; PolyPhen-2: "Possibly Damaging"; Align-GVGD: "Class C0"). In summary, the available evidence is currently insufficient to determine the role of this variant in disease. Therefore, it has been classified as a Variant of Uncertain Significance.

NM_001385641.1(SAMD11):c.2486C>T (p.Thr829Ile)

Gene: SAMD11 (sterile alpha motif domain containing 11; plus strand). Cytogenetic location: 1p36.33.
Variant type: single nucleotide variant.
Coding change: c.2486C>T on transcript NM_001385641.1 (MANE Select); coding-DNA position 2486, C replaced by T.
Protein change: p.Thr829Ile; replaces threonine 829 with isoleucine.
Molecular consequence: missense variant.
Genome position (GRCh38, 1-based): chr1:944,104, C>T. VCF-style: chr1-944104-C-T. GRCh37 (hg19) VCF-style: chr1-879484-C-T.
Other names: c.2489C>T, p.Thr830Ile (NM_001385640.1); c.1997C>T, p.Thr666Ile (NM_152486.4); short protein forms T830I, T666I, T829I.
Identifiers: ClinVar variation 1391482 (VCV001391482.5), dbSNP rs370493594, ClinGen allele CA503437.